The following is an entry in ClinVar:

NM_015570.4(AUTS2):c.320C>A (p.Ala107Glu)

Gene: AUTS2 (activator of transcription and developmental regulator AUTS2; plus strand). Cytogenetic location: 7q11.22.
Variant type: single nucleotide variant.
Coding change: c.320C>A on transcript NM_015570.4 (MANE Select); coding-DNA position 320, C replaced by A.
Protein change: p.Ala107Glu; replaces alanine 107 with glutamic acid.
Molecular consequence: missense variant.
Genome position (GRCh38, 1-based): chr7:69,899,296, C>A. VCF-style: chr7-69899296-C-A. GRCh37 (hg19) VCF-style: chr7-69364282-C-A.
Other names: c.320C>A, p.Ala107Glu (NM_001127231.3, NM_001127232.3); short protein forms A107E.
Identifiers: ClinVar variation 1312187 (VCV001312187.2), dbSNP rs2129540457, ClinGen allele CA367703338.

ClinVar aggregate classification (germline): Uncertain significance (1 of 4 stars; one submission).

Submission:

GeneDx
Classification: Uncertain significance. Last evaluated: 2019-09-06. Review status: criteria provided, single submitter. Criteria: GeneDx Variant Classification Process June 2021. Collection method: clinical testing. Allele origin: germline. Affected: yes.
Comment: Not observed in large population cohorts (Lek et al., 2016); In silico analysis, which includes protein predictors and evolutionary conservation, supports a deleterious effect; Has not been previously published as pathogenic or benign to our knowledge